The following is an entry in ClinVar:

ClinVar aggregate classification (germline): Likely pathogenic (1 of 4 stars; one submission).

Conditions:
X-linked agammaglobulinemia (XLA). Also called: Bruton's agammaglobulinemia; Agammaglobulinemia, Bruton tyrosine kinase; Agammaglobulinemia, BTK; BTK-deficiency; IMMUNODEFICIENCY 1; Bruton-type agammaglobulinemia. Identifiers: Orphanet 229717, Orphanet 47, MedGen C0221026, MONDO:0010421, OMIM 300755.

Submission:

Women's Health and Genetics/Laboratory Corporation of America, LabCorp
Classification: Likely pathogenic for X-linked agammaglobulinemia. Last evaluated: 2019-02-01. Review status: criteria provided, single submitter. Criteria: LabCorp Variant Classification Summary - May 2015. Collection method: clinical testing. Allele origin: germline.
Comment: Variant summary: BTK c.1713T>G (p.Tyr571X) results in a premature termination codon, predicted to cause a truncation of the encoded protein or absence of the protein due to nonsense mediated decay, which are commonly known mechanisms for disease. The variant was absent in 178771 control chromosomes (gnomAD). c.1713T>G has been reported in the literature in at least one individual affected with X-linked Agammaglobulinemia (Chang 2006, Chan 2014). These data do not allow any conclusion about variant significance. To our knowledge, no experimental evidence demonstrating an impact on protein function has been reported. No clinical diagnostic laboratories have submitted clinical-significance assessments for this variant to ClinVar after 2014. Based on the evidence outlined above, the variant was classified as likely pathogenic.

Literature cited by the submitters: PubMed 24820629; PubMed 17164954.

NM_000061.3(BTK):c.1713T>G (p.Tyr571Ter)

Gene: BTK (Bruton tyrosine kinase; minus strand). Cytogenetic location: Xq22.1.
Variant type: single nucleotide variant.
Coding change: c.1713T>G on transcript NM_000061.3 (MANE Select); coding-DNA position 1713, T replaced by G.
Protein change: p.Tyr571Ter; replaces tyrosine 571 with a stop codon.
Molecular consequence: nonsense.
Genome position (GRCh38, 1-based): chrX:101,353,907, A>C on the plus strand (T>G on the coding strand, the complement: BTK is on the minus strand). VCF-style: chrX-101353907-A-C. GRCh37 (hg19) VCF-style: chrX-100608895-A-C.
Other names: c.1815T>G, p.Tyr605Ter (NM_001287344.2); c.1185T>G, p.Tyr395Ter (NM_001287345.2); short protein forms Y395*, Y571*, Y605*.
Identifiers: ClinVar variation 928588 (VCV000928588.1), dbSNP rs1926380106, ClinGen allele CA413920258.